The following is an entry in ClinVar:

NM_001378120.1(MBD5):c.2824C>T (p.Leu942Phe)

Gene: MBD5 (methyl-CpG binding domain protein 5; plus strand). Cytogenetic location: 2q23.1.
Variant type: single nucleotide variant.
Coding change: c.2824C>T on transcript NM_001378120.1 (MANE Select); coding-DNA position 2824, C replaced by T.
Protein change: p.Leu942Phe; replaces leucine 942 with phenylalanine.
Molecular consequence: missense variant.
Genome position (GRCh38, 1-based): chr2:148,483,415, C>T. VCF-style: chr2-148483415-C-T. GRCh37 (hg19) VCF-style: chr2-149240984-C-T.
Other names: c.2824C>T, p.Leu942Phe (NM_018328.5); short protein forms L942F.
Identifiers: ClinVar variation 2198789 (VCV002198789.4), dbSNP rs749987208, ClinGen allele CA1900220.

ClinVar aggregate classification (germline): Uncertain significance (1 of 4 stars; one submission).

Conditions:
Intellectual developmental disorder, autosomal dominant 1. Also called: Intellectual disability, autosomal dominant 1; MBD5 Haploinsufficiency. Identifiers: Orphanet 228402, MedGen C1969562, MONDO:0007974, OMIM 156200.

Allele frequency attached by ClinVar (database versions not stated): ExAC 0.00001.

Submission:

Labcorp Genetics (formerly Invitae), Labcorp
Classification: Uncertain significance for Intellectual developmental disorder, autosomal dominant 1. Last evaluated: 2022-08-12. Review status: criteria provided, single submitter. Criteria: Invitae Variant Classification Sherloc (09022015). Collection method: clinical testing. Allele origin: germline.
Comment: In summary, the available evidence is currently insufficient to determine the role of this variant in disease. Therefore, it has been classified as a Variant of Uncertain Significance. Algorithms developed to predict the effect of missense changes on protein structure and function are either unavailable or do not agree on the potential impact of this missense change (SIFT: "Deleterious"; PolyPhen-2: "Not Available"; Align-GVGD: "Class C0"). This variant has not been reported in the literature in individuals affected with MBD5-related conditions. This variant is present in population databases (rs749987208, gnomAD 0.006%). This sequence change replaces leucine, which is neutral and non-polar, with phenylalanine, which is neutral and non-polar, at codon 942 of the MBD5 protein (p.Leu942Phe).